The following is an entry in ClinVar:

GRCh38/hg38 17q22(chr17:58703201-59177274)x1

Genes: MIR301A (microRNA 301a; minus strand), MIR454 (microRNA 454; minus strand), PPM1E (protein phosphatase, Mg2+/Mn2+ dependent 1E; plus strand), PRR11 (proline rich 11; plus strand), RAD51C (RAD51 paralog C; plus strand) and 14 more. Cytogenetic location: 17q22.
Variant type: copy number loss.
Change: copy number 1 (one copy instead of two) of chr17:58,703,201-59,177,274 (474.1 kb, GRCh38 coordinates, 1-based), cytogenetic band 17q22.
Identifiers: ClinVar variation 4755347 (VCV004755347.1).

ClinVar aggregate classification (germline): Pathogenic (1 of 4 stars; one submission).

Submission:

Clinical Genomics Laboratory, Laboratory for Precision Diagnostics, University of Washington
Classification: Pathogenic. Last evaluated: 2021-07-11. Review status: criteria provided, single submitter. Criteria: ACMG/ClinGen CNV Guidelines, 2019. Collection method: clinical testing. Allele origin: unknown. Affected: yes. Observed: 1 variant allele.
Comment: This 17q22 deletion encompasses the last 6 exons (out of 9 exons) of RAD51C transcript variant 1 (NM_058216.2), which is predicted to cause loss of function of this copy of the gene. Heterozygous loss of function variants in RAD51C are pathogenic and are associated with familial breast-ovarian cancer susceptibility.

Literature cited by the submitters: PubMed 22538716; PubMed 20400964; PubMed 24800917; PubMed 21990120.